The following is an entry in ClinVar:

ClinVar aggregate classification (germline): Benign/Likely benign. Review status: criteria provided, multiple submitters, no conflicts (2 of 4 stars). 6 submissions from 6 submitters: Benign (4); Likely benign (2). Last evaluated 2026-02-02.

Allele frequency attached by ClinVar (database versions not stated): gnomAD exomes 0.00032 and 0.00090; ExAC 0.00120; ESP Exome Variant Server 0.00375; gnomAD 0.00395 and 0.00429; TOPMed 0.00403; 1000 Genomes Project 0.00439; 1000 Genomes Project 30x 0.00547.
gnomAD v4.1: 1,041 of 1,551,550 alleles (0.067%); highest among the groups gnomAD compares: African/African-American, 1.3%; 7 homozygotes.

Submissions (6):

Labcorp Genetics (formerly Invitae), Labcorp
Classification: Benign. Last evaluated: 2026-02-02. Review status: criteria provided, single submitter. Criteria: Invitae Variant Classification Sherloc (09022015). Collection method: clinical testing. Allele origin: germline.

Women's Health and Genetics/Laboratory Corporation of America, LabCorp
Classification: Benign. Last evaluated: 2026-01-23. Review status: criteria provided, single submitter. Criteria: LabCorp Variant Classification Summary - May 2015. Collection method: clinical testing. Allele origin: germline.

CeGaT Center for Human Genetics Tuebingen
Classification: Likely benign. Last evaluated: 2025-11-01. Review status: criteria provided, single submitter. Criteria: CeGaT Center For Human Genetics Tuebingen Variant Classification Criteria Version 2. Collection method: clinical testing. Allele origin: germline. Affected: yes. Observed: 2 variant alleles.
Comment: EFL1: BS1

Blueprint Genetics
Classification: Likely benign. Last evaluated: 2024-07-18. Review status: criteria provided, single submitter. Criteria: ACMG Guidelines, 2015. Collection method: clinical testing. Allele origin: germline.

Mayo Clinic Laboratories, Mayo Clinic
Classification: Benign. Last evaluated: 2024-01-05. Review status: criteria provided, single submitter. Criteria: ACMG Guidelines, 2015. Collection method: clinical testing. Allele origin: germline. Observed: 3 variant alleles.
Comment: BS1, BS2

Breakthrough Genomics
Classification: Benign. Review status: criteria provided, single submitter. Criteria: ACMG Guidelines, 2015. Collection method: not provided. Allele origin: germline. Inheritance: Autosomal recessive inheritance. Affected: yes.

NM_024580.6(EFL1):c.1193-9T>C

Gene: EFL1 (elongation factor like GTPase 1; minus strand). Cytogenetic location: 15q25.2.
Variant type: single nucleotide variant.
Coding change: c.1193-9T>C on transcript NM_024580.6 (MANE Select); 9 bases into the intron before coding-DNA position 1193, T replaced by C.
Molecular consequence: intron variant.
Genome position (GRCh38, 1-based): chr15:82,225,273, A>G on the plus strand (T>C on the coding strand, the complement: EFL1 is on the minus strand). VCF-style: chr15-82225273-A-G. GRCh37 (hg19) VCF-style: chr15-82517614-A-G.
Other names: p.?; c.1040-9T>C (NM_001040610.3); c.404-9T>C (NM_001322844.2); c.1193-9T>C (NM_001322845.2).
Identifiers: ClinVar variation 1164821 (VCV001164821.20), dbSNP rs140866837, ClinGen allele CA7698054.
Genomic context (GRCh38, chr15:82,225,273, plus strand): 5'-GAAACAAATATAATAACTGGAGCAGTGTCCTCACTTCCACATTTCATAAAAGCTAAACAA[A>G]TAGGAAGTAAAAATGTCACTATTTTTCCCATTATTAAAAAAAAAAAACAGATTTTTCTGG-3'